The following is an entry in ClinVar:

ClinVar aggregate classification (germline): Uncertain significance. Review status: criteria provided, multiple submitters, no conflicts (2 of 4 stars). 2 submissions from 2 submitters: Uncertain significance (2). Last evaluated 2025-12-22.

Conditions:
Epileptic encephalopathy. Identifiers: MedGen C0543888, HP:0200134.

Allele frequency attached by ClinVar (database versions not stated): gnomAD exomes 0.00001; ExAC 0.00002; TOPMed 0.00003; gnomAD 0.00005.
gnomAD v4.1: 32 of 1,608,240 alleles (0.002%); highest among the groups gnomAD compares: Middle Eastern, 0.12%; 1 homozygote.

Submissions (2):

Labcorp Genetics (formerly Invitae), Labcorp
Classification: Uncertain significance for Epileptic encephalopathy. Last evaluated: 2025-12-22. Review status: criteria provided, single submitter. Criteria: Invitae Variant Classification Sherloc (09022015). Collection method: clinical testing. Allele origin: germline.
Comment: This sequence change replaces histidine, which is basic and polar, with tyrosine, which is neutral and polar, at codon 751 of the FASN protein (p.His751Tyr). This variant is present in population databases (rs750551553, gnomAD 0.003%). This variant has not been reported in the literature in individuals affected with FASN-related conditions. ClinVar contains an entry for this variant (Variation ID: 2070010). An algorithm developed to predict the effect of missense changes on protein structure and function (PolyPhen-2) suggests that this variant is likely to be tolerated. In summary, the available evidence is currently insufficient to determine the role of this variant in disease. Therefore, it has been classified as a Variant of Uncertain Significance.

Ambry Genetics
Classification: Uncertain significance. Last evaluated: 2025-11-12. Review status: criteria provided, single submitter. Criteria: Ambry Variant Classification Scheme 2023. Collection method: clinical testing. Allele origin: germline.

NM_004104.5(FASN):c.2251C>T (p.His751Tyr)

Gene: FASN (fatty acid synthase; minus strand). Cytogenetic location: 17q25.3.
Variant type: single nucleotide variant.
Coding change: c.2251C>T on transcript NM_004104.5 (MANE Select); coding-DNA position 2251, C replaced by T.
Protein change: p.His751Tyr; replaces histidine 751 with tyrosine.
Molecular consequence: missense variant.
Genome position (GRCh38, 1-based): chr17:82,089,022, G>A on the plus strand (C>T on the coding strand, the complement: FASN is on the minus strand). VCF-style: chr17-82089022-G-A. GRCh37 (hg19) VCF-style: chr17-80046898-G-A.
Other names: c.2251C>T (NM_004104.4); short protein forms H751Y.
Identifiers: ClinVar variation 2070010 (VCV002070010.6), dbSNP rs750551553, ClinGen allele CA8852865.
Genomic context (GRCh38, chr17:82,089,022, plus strand): 5'-GGCCTACCTGCAGCAGGGCGTGGGGCGCGATCTCCAGCACCACCGCGTGCTCAGGCACGT[G>A]CCACAGGGCCTCCTGGAACAGCACAGGGCTCACCAGGTTGTTGACATTGTACTCGGCGGA-3'
Protein context (NP_004095.4, residues 741-761): SPVLFQEALW[His751Tyr]VPEHAVVLEI